The following is an entry in ClinVar:

ClinVar aggregate classification (germline): Uncertain significance. Review status: criteria provided, multiple submitters, no conflicts (2 of 4 stars). 2 submissions from 2 submitters: Uncertain significance (2). Last evaluated 2025-04-07.

Conditions:
Bloom syndrome (BLM). Also called: Bloom-Torre-Machacek syndrome. Identifiers: Orphanet 125, MedGen C0005859, MONDO:0008876, OMIM 210900.
Hereditary cancer-predisposing syndrome. Also called: Neoplastic Syndromes, Hereditary; Hereditary Cancer Syndrome; Tumor predisposition; Hereditary neoplastic syndrome. Identifiers: Orphanet 140162, MedGen C0027672, MeSH D009386, MONDO:0015356.

Allele frequency attached by ClinVar (database versions not stated): gnomAD 0.00001.

Submissions (2):

Labcorp Genetics (formerly Invitae), Labcorp
Classification: Uncertain significance for Bloom syndrome. Last evaluated: 2025-04-07. Review status: criteria provided, single submitter. Criteria: Invitae Variant Classification Sherloc (09022015). Collection method: clinical testing. Allele origin: germline.
Comment: This sequence change replaces glutamic acid, which is acidic and polar, with glycine, which is neutral and non-polar, at codon 1191 of the BLM protein (p.Glu1191Gly). This variant is not present in population databases (gnomAD no frequency). This variant has not been reported in the literature in individuals affected with BLM-related conditions. ClinVar contains an entry for this variant (Variation ID: 852264). Invitae Evidence Modeling of protein sequence and biophysical properties (such as structural, functional, and spatial information, amino acid conservation, physicochemical variation, residue mobility, and thermodynamic stability) has been performed for this missense variant. However, the output from this modeling did not meet the statistical confidence thresholds required to predict the impact of this variant on BLM protein function. In summary, the available evidence is currently insufficient to determine the role of this variant in disease. Therefore, it has been classified as a Variant of Uncertain Significance.

Ambry Genetics
Classification: Uncertain significance for Hereditary cancer-predisposing syndrome. Last evaluated: 2024-06-08. Review status: criteria provided, single submitter. Criteria: Ambry Variant Classification Scheme 2023. Collection method: clinical testing. Allele origin: germline.
Comment: The p.E1191G variant (also known as c.3572A>G), located in coding exon 18 of the BLM gene, results from an A to G substitution at nucleotide position 3572. The glutamic acid at codon 1191 is replaced by glycine, an amino acid with similar properties. This amino acid position is conserved. In addition, the in silico prediction for this alteration is inconclusive. Since supporting evidence is limited at this time, the clinical significance of this alteration remains unclear.

NM_000057.4(BLM):c.3572A>G (p.Glu1191Gly)

Gene: BLM (BLM RecQ like helicase; plus strand). Cytogenetic location: 15q26.1.
Variant type: single nucleotide variant.
Coding change: c.3572A>G on transcript NM_000057.4 (MANE Select); coding-DNA position 3572, A replaced by G.
Protein change: p.Glu1191Gly; replaces glutamic acid 1191 with glycine.
Molecular consequence: missense variant. On other transcripts: intron variant (1).
Genome position (GRCh38, 1-based): chr15:90,804,180, A>G. VCF-style: chr15-90804180-A-G. GRCh37 (hg19) VCF-style: chr15-91347410-A-G.
Other names: c.3572A>G, p.Glu1191Gly (NM_001287246.2); c.2447A>G, p.Glu816Gly (NM_001287248.2); c.3359-4957A>G (NM_001287247.2); short protein forms E1191G, E816G.
Identifiers: ClinVar variation 852264 (VCV000852264.10), dbSNP rs1897232513, ClinGen allele CA393847904.